The following is an entry in ClinVar:

ClinVar aggregate classification (germline): Conflicting classifications of pathogenicity. Review status: criteria provided, conflicting classifications (1 of 4 stars). 2 submissions from 2 submitters: Uncertain significance (1); Benign (1). Last evaluated 2025-12-03.

Conditions:
Hereditary cancer-predisposing syndrome. Also called: Tumor predisposition; Neoplastic Syndromes, Hereditary; Hereditary Cancer Syndrome; Hereditary neoplastic syndrome. Identifiers: Orphanet 140162, MedGen C0027672, MeSH D009386, MONDO:0015356.
Gorlin syndrome. Also called: Basal cell nevus syndrome; Nevoid Basal Cell Carcinoma Syndrome. Identifiers: Orphanet 377, MedGen C0004779, MONDO:0007187.

Allele frequency attached by ClinVar (database versions not stated): ExAC 0.00001.
gnomAD v4.1: 4 of 1,614,206 alleles (0.00025%); highest among the groups gnomAD compares: Admixed American, 0.0067%; no homozygotes.

Submissions (2):

Labcorp Genetics (formerly Invitae), Labcorp
Classification: Benign for Gorlin syndrome. Last evaluated: 2025-12-03. Review status: criteria provided, single submitter. Criteria: Invitae Variant Classification Sherloc (09022015). Collection method: clinical testing. Allele origin: germline.

Ambry Genetics
Classification: Uncertain significance for Hereditary cancer-predisposing syndrome. Last evaluated: 2024-11-17. Review status: criteria provided, single submitter. Criteria: Ambry Variant Classification Scheme 2023. Collection method: clinical testing. Allele origin: germline.
Comment: The p.H1252D variant (also known as c.3754C>G), located in coding exon 22 of the PTCH1 gene, results from a C to G substitution at nucleotide position 3754. The histidine at codon 1252 is replaced by aspartic acid, an amino acid with similar properties. This amino acid position is well conserved in available vertebrate species. In addition, the in silico prediction for this alteration is inconclusive. Since supporting evidence is limited at this time, the clinical significance of this alteration remains unclear.

NM_000264.5(PTCH1):c.3754C>G (p.His1252Asp)

Gene: PTCH1 (patched 1; minus strand). Cytogenetic location: 9q22.32.
Variant type: single nucleotide variant.
Coding change: c.3754C>G on transcript NM_000264.5 (MANE Select); coding-DNA position 3754, C replaced by G.
Protein change: p.His1252Asp; replaces histidine 1252 with aspartic acid.
Molecular consequence: missense variant. On other transcripts: non-coding transcript variant (1).
Genome position (GRCh38, 1-based): chr9:95,449,119, G>C on the plus strand (C>G on the coding strand, the complement: PTCH1 is on the minus strand). VCF-style: chr9-95449119-G-C. GRCh37 (hg19) VCF-style: chr9-98211401-G-C.
Other names: c.3556C>G, p.His1186Asp (NM_001083602.3); c.3751C>G, p.His1251Asp (NM_001083603.3); c.3301C>G, p.His1101Asp (NM_001083604.3, NM_001083605.3, NM_001083606.3 and 1 more transcripts); c.3598C>G, p.His1200Asp (NM_001354918.2); short protein forms H1186D, H1252D, H1101D, H1251D, H1200D.
Identifiers: ClinVar variation 486181 (VCV000486181.21), dbSNP rs780990429, ClinGen allele CA5138071.